The following is an entry in ClinVar:

ClinVar aggregate classification (germline): Uncertain significance (1 of 4 stars; one submission).

Conditions:
Long QT syndrome (LQTS). Identifiers: MedGen C0023976, MeSH D008133, MONDO:0002442. Disease mechanism: loss of function. Inheritance: Various modes of inheritance.

Submission:

Labcorp Genetics (formerly Invitae), Labcorp
Classification: Uncertain significance for Long QT syndrome. Last evaluated: 2019-09-11. Review status: criteria provided, single submitter. Criteria: Invitae Variant Classification Sherloc (09022015). Collection method: clinical testing. Allele origin: germline.
Comment: In summary, the available evidence is currently insufficient to determine the role of this variant in disease. Therefore, it has been classified as a Variant of Uncertain Significance. Experimental studies and prediction algorithms are not available or were not evaluated for this variant, and the functional significance of this variant is currently unknown. This variant has not been reported in the literature in individuals with ANK2-related conditions. This variant results in a copy number gain of the genomic region encompassing exon 1 of the ANK2 gene, which includes the initiator codon. The 5' end of this event is unknown as it extends beyond the assayed region for this gene and therefore may encompass additional genes. The 3' boundary is likely confined to intron 1 of the ANK2 gene. As the precise location of this event is unknown, it may be in tandem or it may be located elsewhere in the genome.

NC_000004.12:g.(?_113049719)_(113049822_?)dup

Gene: ANK2 (ankyrin 2; plus strand). Cytogenetic location: 4q25.
Variant type: Duplication.
Identifiers: ClinVar variation 833306 (VCV000833306.4).